The following is an entry in ClinVar:

NM_001854.4(COL11A1):c.5095C>G (p.Leu1699Val)

Genes: COL11A1 (collagen type XI alpha 1 chain; minus strand), LOC126805814 (P300/CBP strongly-dependent group 1 enhancer GRCh37_chr1:103344928-103346127; plus strand). Cytogenetic location: 1p21.1.
Variant type: single nucleotide variant.
Coding change: c.5095C>G on transcript NM_001854.4 (MANE Select); coding-DNA position 5095, C replaced by G.
Protein change: p.Leu1699Val; replaces leucine 1699 with valine.
Molecular consequence: missense variant. On other transcripts: non-coding transcript variant (1).
Genome position (GRCh38, 1-based): chr1:102,879,862, G>C on the plus strand (C>G on the coding strand, the complement: COL11A1 is on the minus strand). VCF-style: chr1-102879862-G-C. GRCh37 (hg19) VCF-style: chr1-103345418-G-C.
Other names: c.4978C>G, p.Leu1660Val (NM_001190709.2); c.5131C>G, p.Leu1711Val (NM_080629.3); c.4747C>G, p.Leu1583Val (NM_080630.4); short protein forms L1583V, L1660V, L1699V, L1711V.
Identifiers: ClinVar variation 1311737 (VCV001311737.7), dbSNP rs1570608346, ClinGen allele CA341211115.

ClinVar aggregate classification (germline): Uncertain significance. Review status: criteria provided, multiple submitters, no conflicts (2 of 4 stars). 2 submissions from 2 submitters: Uncertain significance (2). Last evaluated 2022-11-01.

Allele frequency attached by ClinVar (database versions not stated): gnomAD 0.00001.
gnomAD v4.1: 1 of 1,613,820 alleles (0.000062%); highest among the groups gnomAD compares: East Asian, 0.0022%; no homozygotes.

Submissions (2):

Labcorp Genetics (formerly Invitae), Labcorp
Classification: Uncertain significance. Last evaluated: 2022-11-01. Review status: criteria provided, single submitter. Criteria: Invitae Variant Classification Sherloc (09022015). Collection method: clinical testing. Allele origin: germline.
Comment: This sequence change replaces leucine, which is neutral and non-polar, with valine, which is neutral and non-polar, at codon 1699 of the COL11A1 protein (p.Leu1699Val). This variant is not present in population databases (gnomAD no frequency). This variant has not been reported in the literature in individuals affected with COL11A1-related conditions. ClinVar contains an entry for this variant (Variation ID: 1311737). Advanced modeling of protein sequence and biophysical properties (such as structural, functional, and spatial information, amino acid conservation, physicochemical variation, residue mobility, and thermodynamic stability) has been performed at Invitae for this missense variant, however the output from this modeling did not meet the statistical confidence thresholds required to predict the impact of this variant on COL11A1 protein function. In summary, the available evidence is currently insufficient to determine the role of this variant in disease. Therefore, it has been classified as a Variant of Uncertain Significance.

GeneDx
Classification: Uncertain significance. Last evaluated: 2021-11-03. Review status: criteria provided, single submitter. Criteria: GeneDx Variant Classification Process June 2021. Collection method: clinical testing. Allele origin: germline. Affected: yes.
Comment: Not observed in large population cohorts (gnomAD); In silico analysis, which includes protein predictors and evolutionary conservation, supports a deleterious effect; Has not been previously published as pathogenic or benign to our knowledge